The following is an entry in ClinVar:

NM_006939.4(SOS2):c.3772T>G (p.Ser1258Ala)

Gene: SOS2 (SOS Ras/Rho guanine nucleotide exchange factor 2; minus strand). Cytogenetic location: 14q21.3.
Variant type: single nucleotide variant.
Coding change: c.3772T>G on transcript NM_006939.4 (MANE Select); coding-DNA position 3772, T replaced by G.
Protein change: p.Ser1258Ala; replaces serine 1258 with alanine.
Molecular consequence: missense variant.
Genome position (GRCh38, 1-based): chr14:50,118,571, A>C on the plus strand (T>G on the coding strand, the complement: SOS2 is on the minus strand). VCF-style: chr14-50118571-A-C. GRCh37 (hg19) VCF-style: chr14-50585289-A-C.
Other names: short protein forms S1258A.
Identifiers: ClinVar variation 1362777 (VCV001362777.11), dbSNP rs1344396759, ClinGen allele CA389637860.

ClinVar aggregate classification (germline): Conflicting classifications of pathogenicity. Review status: criteria provided, conflicting classifications (1 of 4 stars). 4 submissions from 4 submitters: Uncertain significance (3); Likely benign (1). Last evaluated 2026-07-01.

Conditions:
Noonan syndrome 9 (NS9). Identifiers: Orphanet 648, MedGen C4225282, MONDO:0014691, OMIM 616559.
Cardiovascular phenotype. Identifiers: MedGen CN230736.

Allele frequency attached by ClinVar (database versions not stated): gnomAD exomes below 0.00001 and 0.00001; TOPMed below 0.00001.
gnomAD v4.1: 4 of 1,614,100 alleles (0.00025%); highest among the groups gnomAD compares: Admixed American, 0.005%; no homozygotes.

Submissions (4):

CeGaT Center for Human Genetics Tuebingen
Classification: Uncertain significance. Last evaluated: 2026-07-01. Review status: criteria provided, single submitter. Criteria: CeGaT Center For Human Genetics Tuebingen Variant Classification Criteria Version 2. Collection method: clinical testing. Allele origin: germline. Affected: yes. Observed: 1 variant allele.
Comment: SOS2: PM2:Supporting, BP4

Labcorp Genetics (formerly Invitae), Labcorp
Classification: Likely benign for Noonan syndrome 9. Last evaluated: 2025-10-02. Review status: criteria provided, single submitter. Criteria: Invitae Variant Classification Sherloc (09022015). Collection method: clinical testing. Allele origin: germline.

Ambry Genetics
Classification: Uncertain significance for Cardiovascular phenotype. Last evaluated: 2021-09-21. Review status: criteria provided, single submitter. Criteria: Ambry Variant Classification Scheme 2023. Collection method: clinical testing. Allele origin: germline.
Comment: The p.S1258A variant (also known as c.3772T>G), located in coding exon 23 of the SOS2 gene, results from a T to G substitution at nucleotide position 3772. The serine at codon 1258 is replaced by alanine, an amino acid with similar properties. This amino acid position is conserved. In addition, this alteration is predicted to be tolerated by in silico analysis. Since supporting evidence is limited at this time, the clinical significance of this alteration remains unclear.

Genome-Nilou Lab
Classification: Uncertain significance for Noonan syndrome 9. Review status: criteria provided, single submitter. Criteria: ACMG Guidelines, 2015. Collection method: clinical testing. Allele origin: germline.